The following is an entry in ClinVar:

NM_139281.3(WDR36):c.1093+200A>G

Gene: WDR36 (WD repeat domain 36; plus strand). Cytogenetic location: 5q22.1.
Variant type: single nucleotide variant.
Coding change: c.1093+200A>G on transcript NM_139281.3 (MANE Select); 200 bases into the intron after coding-DNA position 1093, A replaced by G.
Molecular consequence: intron variant.
Genome position (GRCh38, 1-based): chr5:111,105,560, A>G. VCF-style: chr5-111105560-A-G. GRCh37 (hg19) VCF-style: chr5-110441259-A-G.
Identifiers: ClinVar variation 1706769 (VCV001706769.2), dbSNP rs113544667, ClinGen allele CA124916164.

ClinVar aggregate classification (germline): Likely benign (1 of 4 stars; one submission).

Allele frequency attached by ClinVar (database versions not stated): 1000 Genomes Project 30x 0.00344; 1000 Genomes Project 0.00379; gnomAD 0.00430; TOPMed 0.00469.
gnomAD v4.1: 651 of 151,698 alleles (0.43%); highest among the groups gnomAD compares: African/African-American, 1.5%; 3 homozygotes.

Submission:

GeneDx
Classification: Likely benign. Last evaluated: 2019-04-26. Review status: criteria provided, single submitter. Criteria: GeneDx Variant Classification Process June 2021. Collection method: clinical testing. Allele origin: germline. Affected: yes.
Comment: See Variant Classification Assertion Criteria.